The following is an entry in ClinVar:

ClinVar aggregate classification (germline): Benign/Likely benign. Review status: criteria provided, multiple submitters, no conflicts (2 of 4 stars). 3 submissions from 2 submitters: Benign (2); Likely benign (1). Last evaluated 2018-07-15.

Conditions:
Alpha-N-acetylgalactosaminidase deficiency type 2. Also called: ALPHA-N-ACETYLGALACTOSAMINIDASE DEFICIENCY, TYPE II; NAGA DEFICIENCY, TYPE II; SCHINDLER DISEASE, TYPE II. Identifiers: Orphanet 3137, Orphanet 79280, MedGen C1836522, MONDO:0012222, OMIM 609242.
Alpha-N-acetylgalactosaminidase deficiency type 1. Also called: SCHINDLER DISEASE, TYPE I; ALPHA-N-ACETYLGALACTOSAMINIDASE DEFICIENCY, TYPE I; NAGA DEFICIENCY, TYPE I; NEUROAXONAL DYSTROPHY, SCHINDLER TYPE. Identifiers: Orphanet 3137, Orphanet 79279, Orphanet 79281, MedGen C1836544, MONDO:0012221, OMIM 609241.

Allele frequency attached by ClinVar (database versions not stated): gnomAD exomes 0.00085; gnomAD 0.00559 and 0.00574; TOPMed 0.00649; 1000 Genomes Project 0.00919; 1000 Genomes Project 30x 0.00937.
gnomAD v4.1: 1,545 of 927,426 alleles (0.17%); highest among the groups gnomAD compares: African/African-American, 1.9%; 14 homozygotes.

Submissions (3):

GeneDx
Classification: Likely benign. Last evaluated: 2018-07-15. Review status: criteria provided, single submitter. Criteria: GeneDx Variant Classification Process June 2021. Collection method: clinical testing. Allele origin: germline. Affected: yes.

Illumina Laboratory Services, Illumina
Classification: Benign for Alpha-N-acetylgalactosaminidase deficiency type 2. Last evaluated: 2018-01-12. Review status: criteria provided, single submitter. Criteria: ICSL Variant Classification Criteria 13 December 2019. Collection method: clinical testing. Allele origin: germline.
Comment: This variant was observed in the ICSL laboratory as part of a predisposition screen in an ostensibly healthy population. It had not been previously curated by ICSL or reported in the Human Gene Mutation Database (HGMD: prior to June 1st, 2018), and was therefore a candidate for classification through an automated scoring system. Utilizing variant allele frequency, disease prevalence and penetrance estimates, and inheritance mode, an automated score was calculated to assess if this variant is too frequent to cause the disease. Based on the score and internal cut-off values, a variant classified as benign is not then subjected to further curation. The score for this variant resulted in a classification of benign for this disease.

Illumina Laboratory Services, Illumina
Classification: Benign for Alpha-N-acetylgalactosaminidase deficiency type 1. Last evaluated: 2018-01-12. Review status: criteria provided, single submitter. Criteria: ICSL Variant Classification Criteria 13 December 2019. Collection method: clinical testing. Allele origin: germline.
Comment: the same text as in the submission from Illumina Laboratory Services, Illumina above.

NM_000262.3(NAGA):c.*161T>C

Gene: NAGA (alpha-N-acetylgalactosaminidase; minus strand). Cytogenetic location: 22q13.2.
Variant type: single nucleotide variant.
Coding change: c.*161T>C on transcript NM_000262.3 (MANE Select); 161 bases downstream of the stop codon, T replaced by C.
Molecular consequence: 3 prime UTR variant.
Genome position (GRCh38, 1-based): chr22:42,060,118, A>G on the plus strand (T>C on the coding strand, the complement: NAGA is on the minus strand). VCF-style: chr22-42060118-A-G. GRCh37 (hg19) VCF-style: chr22-42456122-A-G.
Other names: c.*161T>C (NM_001362848.1, NM_001362850.1).
Identifiers: ClinVar variation 341900 (VCV000341900.8), dbSNP rs150991002, ClinGen allele CA10651426.